The following is an entry in ClinVar:

ClinVar aggregate classification (germline): Uncertain significance (1 of 4 stars; one submission).

Conditions:
Familial aortopathy. Identifiers: MedGen CN078214.

Allele frequency attached by ClinVar (database versions not stated): gnomAD exomes below 0.00001.
gnomAD v4.1: 5 of 1,608,128 alleles (0.00031%); highest among the groups gnomAD compares: Non-Finnish European, 0.00042%; no homozygotes.

Submission:

Women's Health and Genetics/Laboratory Corporation of America, LabCorp
Classification: Uncertain significance for Aortopathy. Last evaluated: 2011-08-18. Review status: criteria provided, single submitter. Criteria: LabCorp Variant Classification Summary - May 2015. Collection method: curation. Allele origin: germline. Inheritance: autosomal unknown. Affected: yes.
ClinVar note: Converted during submission from uncertain to Uncertain significance.

NM_002474.3(MYH11):c.5295+13T>C

Genes: MYH11 (myosin heavy chain 11; minus strand), NDE1 (nudE neurodevelopment protein 1; plus strand). Cytogenetic location: 16p13.11.
Variant type: single nucleotide variant.
Coding change: c.5295+13T>C on transcript NM_002474.3 (MANE Select); 13 bases into the intron after coding-DNA position 5295, T replaced by C.
Molecular consequence: intron variant.
Genome position (GRCh38, 1-based): chr16:15,718,302, A>G on the plus strand (T>C on the coding strand, the complement: MYH11 is on the minus strand). VCF-style: chr16-15718302-A-G. GRCh37 (hg19) VCF-style: chr16-15812159-A-G.
Other names: c.948-5889A>G (NM_001143979.2, NM_017668.3); c.5295+13T>C (NM_022844.3); c.5316+13T>C (NM_001040114.2, NM_001040113.2).
Identifiers: ClinVar variation 36626 (VCV000036626.3), dbSNP rs193922632, ClinGen allele CA214174.